The following is an entry in ClinVar:

NM_181712.5(KANK4):c.279C>T (p.Pro93=)

Gene: KANK4 (KN motif and ankyrin repeat domains 4; minus strand). Cytogenetic location: 1p31.3.
Variant type: single nucleotide variant.
Coding change: c.279C>T on transcript NM_181712.5 (MANE Select); coding-DNA position 279, C replaced by T.
Protein change: p.Pro93=; no amino-acid change (proline 93 retained).
Molecular consequence: synonymous variant. On other transcripts: intron variant (1).
Genome position (GRCh38, 1-based): chr1:62,274,825, G>A on the plus strand (C>T on the coding strand, the complement: KANK4 is on the minus strand). VCF-style: chr1-62274825-G-A. GRCh37 (hg19) VCF-style: chr1-62740497-G-A.
Other names: c.17-3236C>T (NM_001320269.2).
Identifiers: ClinVar variation 4988359 (VCV004988359.1).

ClinVar aggregate classification (germline): Likely benign (1 of 4 stars; one submission).

Conditions:
KANK4-related disorder. Also called: KANK4-related condition.

gnomAD v4.1: 18 of 1,614,012 alleles (0.0011%); highest among the groups gnomAD compares: Admixed American, 0.0033%; no homozygotes.

Submission:

PreventionGenetics, part of Exact Sciences
Classification: Likely benign for KANK4-related condition. Last evaluated: 2025-01-06. Review status: criteria provided, single submitter. Criteria: ACMG Guidelines, 2015. Collection method: clinical testing. Allele origin: germline.
Comment: This variant is classified as likely benign based on ACMG/AMP sequence variant interpretation guidelines (Richards et al. 2015 PMID: 25741868, with internal and published modifications).